The following is an entry in ClinVar:

ClinVar aggregate classification (germline): Uncertain significance. Review status: criteria provided, multiple submitters, no conflicts (2 of 4 stars). 4 submissions from 4 submitters: Uncertain significance (4). Last evaluated 2026-05-21.

Conditions:
BRCA1-related disorder. Also called: BRCA1-related condition.
Hereditary cancer-predisposing syndrome. Also called: Neoplastic Syndromes, Hereditary; Hereditary Cancer Syndrome; Tumor predisposition; Hereditary neoplastic syndrome. Identifiers: Orphanet 140162, MedGen C0027672, MeSH D009386, MONDO:0015356.
Hereditary breast ovarian cancer syndrome. Also called: BRCA1- and BRCA2-Associated Hereditary Breast and Ovarian Cancer; Hereditary breast and ovarian cancer syndrome; Hereditary breast and ovarian cancer syndrome (HBOC); Hereditary breast and ovarian cancer; Breast and ovarian cancer; Hereditary breast and/or ovarian cancer syndrome. Identifiers: Orphanet 145, MedGen C0677776, MeSH D061325, MONDO:0003582. Disease mechanism: loss of function.

Submissions (4):

PreventionGenetics, part of Exact Sciences
Classification: Uncertain significance for BRCA1-related condition. Last evaluated: 2026-05-21. Review status: criteria provided, single submitter. Criteria: ACMG Guidelines, 2015. Collection method: clinical testing. Allele origin: germline.
Comment: The BRCA1 c.4492C>T variant is predicted to result in the amino acid substitution p.Pro1498Ser. To our knowledge, this variant has not been reported in the literature or in a large population database, indicating this variant is rare. This variant is reported as uncertain in ClinVar (Variation ID: 824937). At this time, the clinical significance of this variant is uncertain due to the absence of conclusive functional and genetic evidence.

Sema4
Classification: Uncertain significance for Hereditary cancer-predisposing syndrome. Last evaluated: 2022-02-05. Review status: criteria provided, single submitter. Criteria: Sema4 Curation Guidelines. Collection method: curation. Allele origin: germline.
Comment: The BRCA1 c.4492C>T (p.P1498S) variant has not been reported in the literature to our knowledge. It was not observed in the large and broad cohorts of the Genome Aggregation Database (PMID: 32461654). This variant has not been reported in ClinVar. Functional studies have not been performed, and in silico predictions of the variant's effect on protein function are inconclusive. The evidence is insufficient to meet ACMG/AMP criteria for classifying the variant as benign or pathogenic. Thus, the clinical significance of this variant is currently uncertain.

Labcorp Genetics (formerly Invitae), Labcorp
Classification: Uncertain significance for Hereditary breast ovarian cancer syndrome. Last evaluated: 2021-06-13. Review status: criteria provided, single submitter. Criteria: Invitae Variant Classification Sherloc (09022015). Collection method: clinical testing. Allele origin: germline.
Comment: This sequence change replaces proline with serine at codon 1498 of the BRCA1 protein (p.Pro1498Ser). The proline residue is moderately conserved and there is a moderate physicochemical difference between proline and serine. In summary, the available evidence is currently insufficient to determine the role of this variant in disease. Therefore, it has been classified as a Variant of Uncertain Significance. Advanced modeling of protein sequence and biophysical properties (such as structural, functional, and spatial information, amino acid conservation, physicochemical variation, residue mobility, and thermodynamic stability) performed at Invitae indicates that this missense variant is not expected to disrupt BRCA1 protein function. This variant has not been reported in the literature in individuals with BRCA1-related conditions. ClinVar contains an entry for this variant (Variation ID: 824937). This variant is not present in population databases (ExAC no frequency).

Ambry Genetics
Classification: Uncertain significance for Hereditary cancer-predisposing syndrome. Last evaluated: 2019-01-30. Review status: criteria provided, single submitter. Criteria: Ambry Variant Classification Scheme 2023. Collection method: clinical testing. Allele origin: germline.
Comment: The p.P1498S variant (also known as c.4492C>T), located in coding exon 13 of the BRCA1 gene, results from a C to T substitution at nucleotide position 4492. The proline at codon 1498 is replaced by serine, an amino acid with similar properties. This amino acid position is not well conserved in available vertebrate species. In addition, the in silico prediction for this alteration is inconclusive. Since supporting evidence is limited at this time, the clinical significance of this alteration remains unclear.

NM_007294.4(BRCA1):c.4492C>T (p.Pro1498Ser)

Gene: BRCA1 (BRCA1 DNA repair associated; minus strand). Cytogenetic location: 17q21.31.
Variant type: single nucleotide variant.
Coding change: c.4492C>T on transcript NM_007294.4 (MANE Select); coding-DNA position 4492, C replaced by T.
Protein change: p.Pro1498Ser; replaces proline 1498 with serine.
Molecular consequence: missense variant. On other transcripts: non-coding transcript variant (1).
Genome position (GRCh38, 1-based): chr17:43,074,514, G>A on the plus strand (C>T on the coding strand, the complement: BRCA1 is on the minus strand). VCF-style: chr17-43074514-G-A. GRCh37 (hg19) VCF-style: chr17-41226531-G-A.
Other names: c.4279C>T, p.Pro1427Ser (NM_001407571.1, NM_001407894.1, NM_001407895.1 and 12 more transcripts); c.4558C>T, p.Pro1520Ser (NM_001407581.1, NM_001407582.1); c.4555C>T, p.Pro1519Ser (NM_001407583.1, NM_001407585.1, NM_001407587.1 and 1 more transcripts); c.4552C>T, p.Pro1518Ser (NM_001407590.1, NM_001407591.1); c.4492C>T, p.Pro1498Ser (NM_001407593.1, NM_001407594.1, NM_001407596.1 and 8 more transcripts); c.4489C>T, p.Pro1497Ser (NM_001407610.1, NM_001407621.1, NM_001407622.1 and 17 more transcripts); c.4486C>T, p.Pro1496Ser (NM_001407627.1, NM_001407628.1, NM_001407629.1 and 14 more transcripts); c.4483C>T, p.Pro1495Ser (NM_001407644.1, NM_001407645.1); and 68 more; short protein forms P1498S, P1519S, P394S, P1451S, P1201S, P1386S, P1408S, P1409S.
Identifiers: ClinVar variation 824937 (VCV000824937.15), dbSNP rs1597836625, ClinGen allele CA10592544.
Genomic context (GRCh38, chr17:43,074,514, plus strand): 5'-GAAGACTCCCAGAGCAACTGTGCATGTACCACCTATCATCTAATGATGGGCATTTAGAAG[G>A]GGATGACCTAGAAAGATAAATGGAAGGAGAAAACCATCGCCACCAATTGTGAAAGGACAA-3'
Protein context (NP_009225.1, residues 1488-1508): NKEPGVERSS[Pro1498Ser]SKCPSLDDRW